The following is an entry in ClinVar:

NM_020458.4(TTC7A):c.668C>T (p.Ser223Leu)

Gene: TTC7A (tetratricopeptide repeat domain 7A; plus strand). Cytogenetic location: 2p21.
Variant type: single nucleotide variant.
Coding change: c.668C>T on transcript NM_020458.4 (MANE Select); coding-DNA position 668, C replaced by T.
Protein change: p.Ser223Leu; replaces serine 223 with leucine.
Molecular consequence: missense variant. On other transcripts: 5 prime UTR variant (1).
Genome position (GRCh38, 1-based): chr2:46,978,811, C>T. VCF-style: chr2-46978811-C-T. GRCh37 (hg19) VCF-style: chr2-47205950-C-T.
Other names: c.668C>T, p.Ser223Leu (NM_001288951.2); c.566C>T, p.Ser189Leu (NM_001288953.2); c.-237C>T (NM_001288955.2); short protein forms S223L, S189L.
Identifiers: ClinVar variation 74638 (VCV000074638.37), dbSNP rs267599393, ClinGen allele CA1647310.

ClinVar aggregate classification (germline): Uncertain significance. Review status: criteria provided, multiple submitters, no conflicts (2 of 4 stars). 2 submissions from 2 submitters: Uncertain significance (2). Last evaluated 2021-11-14.

Conditions:
Multiple gastrointestinal atresias. Also called: FAMILIAL INTESTINAL POLYATRESIA SYNDROME; Multiple intestinal atresia. Identifiers: Orphanet 2300, MedGen C0220744, MONDO:0009465.

Allele frequency attached by ClinVar (database versions not stated): ExAC 0.00002; gnomAD exomes 0.00002.
gnomAD v4.1: 18 of 1,613,840 alleles (0.0011%); highest among the groups gnomAD compares: Middle Eastern, 0.016%; no homozygotes.

Submissions (2):

Labcorp Genetics (formerly Invitae), Labcorp
Classification: Uncertain significance for Multiple gastrointestinal atresias. Last evaluated: 2021-11-14. Review status: criteria provided, single submitter. Criteria: Invitae Variant Classification Sherloc (09022015). Collection method: clinical testing. Allele origin: germline.
Comment: This sequence change replaces serine, which is neutral and polar, with leucine, which is neutral and non-polar, at codon 223 of the TTC7A protein (p.Ser223Leu). This variant is present in population databases (rs267599393, gnomAD 0.003%). This variant has not been reported in the literature in individuals affected with TTC7A-related conditions. ClinVar contains an entry for this variant (Variation ID: 74638). Algorithms developed to predict the effect of missense changes on protein structure and function are either unavailable or do not agree on the potential impact of this missense change (SIFT: "Deleterious"; PolyPhen-2: "Benign"; Align-GVGD: "Class C0"). In summary, the available evidence is currently insufficient to determine the role of this variant in disease. Therefore, it has been classified as a Variant of Uncertain Significance.

CeGaT Center for Human Genetics Tuebingen
Classification: Uncertain significance. Last evaluated: 2021-06-01. Review status: criteria provided, single submitter. Criteria: CeGaT Center For Human Genetics Tuebingen Variant Classification Criteria Version 2. Collection method: clinical testing. Allele origin: germline. Affected: yes. Observed: 1 variant allele.